The following is an entry in ClinVar:

ClinVar aggregate classification (germline): Uncertain significance (1 of 4 stars; one submission).

Conditions:
Inborn genetic diseases. Identifiers: MedGen C0950123, MeSH D030342.

gnomAD v4.1: 2 of 1,607,846 alleles (0.00012%); highest among the groups gnomAD compares: African/African-American, 0.0013%; no homozygotes.

Submission:

Ambry Genetics
Classification: Uncertain significance for Inborn genetic diseases. Last evaluated: 2025-01-06. Review status: criteria provided, single submitter. Criteria: Ambry Variant Classification Scheme 2023. Collection method: clinical testing. Allele origin: germline.
Comment: The p.I434L variant (also known as c.1300A>C), located in coding exon 7 of the FANCM gene, results from an A to C substitution at nucleotide position 1300. The isoleucine at codon 434 is replaced by leucine, an amino acid with highly similar properties. This amino acid position is conserved. In addition, this alteration is predicted to be tolerated by in silico analysis. Based on the available evidence, the clinical significance of this variant remains unclear.

NM_020937.4(FANCM):c.1300A>C (p.Ile434Leu)

Gene: FANCM (FA complementation group M; plus strand). Cytogenetic location: 14q21.2.
Variant type: single nucleotide variant.
Coding change: c.1300A>C on transcript NM_020937.4 (MANE Select); coding-DNA position 1300, A replaced by C.
Protein change: p.Ile434Leu; replaces isoleucine 434 with leucine.
Molecular consequence: missense variant.
Genome position (GRCh38, 1-based): chr14:45,154,813, A>C. VCF-style: chr14-45154813-A-C. GRCh37 (hg19) VCF-style: chr14-45624016-A-C.
Other names: c.1222A>C, p.Ile408Leu (NM_001308133.2); c.1300A>C, p.Ile434Leu (NM_001308134.2); short protein forms I434L, I408L.
Identifiers: ClinVar variation 3277682 (VCV003277682.2).